The following is an entry in ClinVar:

ClinVar aggregate classification (germline): Uncertain significance (1 of 4 stars; one submission).

Conditions:
Gorlin syndrome. Also called: Nevoid Basal Cell Carcinoma Syndrome; Basal cell nevus syndrome. Identifiers: Orphanet 377, MedGen C0004779, MONDO:0007187.

Submission:

Labcorp Genetics (formerly Invitae), Labcorp
Classification: Uncertain significance for Gorlin syndrome. Last evaluated: 2020-10-27. Review status: criteria provided, single submitter. Criteria: Invitae Variant Classification Sherloc (09022015). Collection method: clinical testing. Allele origin: germline.
Comment: This variant has not been reported in the literature in individuals with PTCH2-related conditions. This variant is not present in population databases (ExAC no frequency). This sequence change replaces glycine with valine at codon 492 of the PTCH2 protein (p.Gly492Val). The glycine residue is highly conserved and there is a moderate physicochemical difference between glycine and valine. Algorithms developed to predict the effect of missense changes on protein structure and function are either unavailable or do not agree on the potential impact of this missense change (SIFT: "Deleterious"; PolyPhen-2: "Probably Damaging"; Align-GVGD: "Class C0"). In summary, the available evidence is currently insufficient to determine the role of this variant in disease. Therefore, it has been classified as a Variant of Uncertain Significance.

NM_003738.5(PTCH2):c.1475G>T (p.Gly492Val)

Gene: PTCH2 (patched 2; minus strand). Cytogenetic location: 1p34.1.
Variant type: single nucleotide variant.
Coding change: c.1475G>T on transcript NM_003738.5 (MANE Select); coding-DNA position 1475, G replaced by T.
Protein change: p.Gly492Val; replaces glycine 492 with valine.
Molecular consequence: missense variant.
Genome position (GRCh38, 1-based): chr1:44,828,621, C>A on the plus strand (G>T on the coding strand, the complement: PTCH2 is on the minus strand). VCF-style: chr1-44828621-C-A. GRCh37 (hg19) VCF-style: chr1-45294293-C-A.
Other names: c.1475G>T, p.Gly492Val (NM_001166292.2); short protein forms G492V.
Identifiers: ClinVar variation 1022862 (VCV001022862.9), dbSNP rs1653276978, ClinGen allele CA340100931.
Genomic context (GRCh38, chr1:44,828,621, plus strand): 5'-GCGGCCATGTTGTTGATGGATGTGAGTACGACACTGGTGCCCGTGCGCTGCAGACACTCG[C>A]CCATGCGCTCCTGCCAGGACAGAGTGGGGACCTGCCCTCAGGTCACAAGGGAGGGGCCGT-3'
Protein context (NP_003729.3, residues 482-502): LPGTPLQERM[Gly492Val]ECLQRTGTSV